The following is an entry in ClinVar:

ClinVar aggregate classification (germline): Conflicting classifications of pathogenicity. Review status: criteria provided, conflicting classifications (1 of 4 stars). 3 submissions from 3 submitters: Uncertain significance (1); Likely benign (2). Last evaluated 2025-09-08.

Conditions:
NOTCH3-related disorder. Also called: NOTCH3-related condition; NOTCH3-related disorders.

Allele frequency attached by ClinVar (database versions not stated): TOPMed below 0.00001; ExAC 0.00001; gnomAD 0.00001 and 0.00002; gnomAD exomes 0.00001.
gnomAD v4.1: 24 of 1,614,200 alleles (0.0015%); highest among the groups gnomAD compares: Middle Eastern, 0.033%; 1 homozygote.

Submissions (3):

PreventionGenetics, part of Exact Sciences
Classification: Likely benign for NOTCH3-related condition. Last evaluated: 2025-09-08. Review status: criteria provided, single submitter. Criteria: ACMG Guidelines, 2015. Collection method: clinical testing. Allele origin: germline.
Comment: This variant is classified as likely benign based on ACMG/AMP sequence variant interpretation guidelines (Richards et al. 2015 PMID: 25741868, with internal and published modifications).

Labcorp Genetics (formerly Invitae), Labcorp
Classification: Uncertain significance. Last evaluated: 2024-10-15. Review status: criteria provided, single submitter. Criteria: Invitae Variant Classification Sherloc (09022015). Collection method: clinical testing. Allele origin: germline.
Comment: This sequence change falls in intron 22 of the NOTCH3 gene. It does not directly change the encoded amino acid sequence of the NOTCH3 protein. It affects a nucleotide within the consensus splice site. The frequency data for this variant in the population databases is considered unreliable, as metrics indicate poor data quality at this position in the gnomAD database. This variant has not been reported in the literature in individuals affected with NOTCH3-related conditions. ClinVar contains an entry for this variant (Variation ID: 1502490). Variants that disrupt the consensus splice site are a relatively common cause of aberrant splicing (PMID: 17576681, 9536098). Algorithms developed to predict the effect of sequence changes on RNA splicing suggest that this variant is not likely to affect RNA splicing. In summary, the available evidence is currently insufficient to determine the role of this variant in disease. Therefore, it has been classified as a Variant of Uncertain Significance.

Blueprint Genetics
Classification: Likely benign. Last evaluated: 2021-06-07. Review status: criteria provided, single submitter. Criteria: ACMG Guidelines, 2015. Collection method: clinical testing. Allele origin: germline.

Literature cited by the submitters: PubMed 17576681 (cited by Labcorp Genetics (formerly Invitae), Labcorp); PubMed 9536098 (cited by Labcorp Genetics (formerly Invitae), Labcorp).

NM_000435.3(NOTCH3):c.3718+6C>T

Gene: NOTCH3 (notch receptor 3; minus strand). Cytogenetic location: 19p13.12.
Variant type: single nucleotide variant.
Coding change: c.3718+6C>T on transcript NM_000435.3 (MANE Select); 6 bases into the intron after coding-DNA position 3718, C replaced by T.
Molecular consequence: intron variant.
Genome position (GRCh38, 1-based): chr19:15,179,019, G>A on the plus strand (C>T on the coding strand, the complement: NOTCH3 is on the minus strand). VCF-style: chr19-15179019-G-A. GRCh37 (hg19) VCF-style: chr19-15289830-G-A.
Other names: c.3718+6C>T (NM_000435.2).
Identifiers: ClinVar variation 1502490 (VCV001502490.5), dbSNP rs545768883, ClinGen allele CA9263014.
Genomic context (GRCh38, chr19:15,179,019, plus strand): 5'-TGTAGATCAGCCACAATGGGGGAATGACAGGCGGGGTCCCAGGCCAGCCCCTTCGCCAAC[G>A]CTTACCTGAGAAGCCAGCATGACAAAGGCAACGGAAACCTCCGCCTGGGTCCTGCAGGCA-3'